The following is an entry in ClinVar:

NM_003106.4(SOX2):c.68G>T (p.Gly23Val)

Genes: SOX2 (SRY-box transcription factor 2; plus strand), SOX2-OT (SOX2 overlapping transcript; plus strand), LOC108281177 (SOX2 5' regulatory region; plus strand). Cytogenetic location: 3q26.33.
Variant type: single nucleotide variant.
Coding change: c.68G>T on transcript NM_003106.4 (MANE Select); coding-DNA position 68, G replaced by T.
Protein change: p.Gly23Val; replaces glycine 23 with valine.
Molecular consequence: missense variant.
Genome position (GRCh38, 1-based): chr3:181,712,428, G>T. VCF-style: chr3-181712428-G-T. GRCh37 (hg19) VCF-style: chr3-181430216-G-T.
Other names: c.68G>T (NM_003106.3); short protein forms G23V.
Identifiers: ClinVar variation 2739833 (VCV002739833.5), dbSNP rs756496221, ClinGen allele CA2717236.

ClinVar aggregate classification (germline): Uncertain significance. Review status: criteria provided, multiple submitters, no conflicts (2 of 4 stars). 3 submissions from 3 submitters: Uncertain significance (3). Last evaluated 2024-12-16.

Conditions:
Anophthalmia/microphthalmia-esophageal atresia syndrome (MCOPS3). Also called: AEG SYNDROME; SOX2 Disorder; MICROPHTHALMIA AND ESOPHAGEAL ATRESIA SYNDROME. Identifiers: Orphanet 77298, MedGen C1859773, MONDO:0008799, OMIM 206900.
Inborn genetic diseases. Identifiers: MedGen C0950123, MeSH D030342.

Allele frequency attached by ClinVar (database versions not stated): TOPMed 0.00001; ExAC 0.00002; gnomAD 0.00002; gnomAD exomes 0.00002.

Submissions (3):

GeneDx
Classification: Uncertain significance. Last evaluated: 2024-12-16. Review status: criteria provided, single submitter. Criteria: GeneDx Variant Classification Process June 2021. Collection method: clinical testing. Allele origin: germline. Affected: yes.
Comment: In silico analysis supports that this missense variant has a deleterious effect on protein structure/function; Has not been previously published as pathogenic or benign to our knowledge

Ambry Genetics
Classification: Uncertain significance for Inborn genetic diseases. Last evaluated: 2024-11-08. Review status: criteria provided, single submitter. Criteria: Ambry Variant Classification Scheme 2023. Collection method: clinical testing. Allele origin: germline.

Labcorp Genetics (formerly Invitae), Labcorp
Classification: Uncertain significance for Anophthalmia/microphthalmia-esophageal atresia syndrome. Last evaluated: 2024-09-16. Review status: criteria provided, single submitter. Criteria: Invitae Variant Classification Sherloc (09022015). Collection method: clinical testing. Allele origin: germline.
Comment: This sequence change replaces glycine, which is neutral and non-polar, with valine, which is neutral and non-polar, at codon 23 of the SOX2 protein (p.Gly23Val). This variant is present in population databases (rs756496221, gnomAD 0.004%). This variant has not been reported in the literature in individuals affected with SOX2-related conditions. An algorithm developed to predict the effect of missense changes on protein structure and function (PolyPhen-2) suggests that this variant is likely to be disruptive. In summary, the available evidence is currently insufficient to determine the role of this variant in disease. Therefore, it has been classified as a Variant of Uncertain Significance.